The following is an entry in ClinVar:

NM_005506.4(SCARB2):c.194A>G (p.Tyr65Cys)

Gene: SCARB2 (scavenger receptor class B member 2; minus strand). Cytogenetic location: 4q21.1.
Variant type: single nucleotide variant.
Coding change: c.194A>G on transcript NM_005506.4 (MANE Select); coding-DNA position 194, A replaced by G.
Protein change: p.Tyr65Cys; replaces tyrosine 65 with cysteine.
Molecular consequence: missense variant.
Genome position (GRCh38, 1-based): chr4:76,195,788, T>C on the plus strand (A>G on the coding strand, the complement: SCARB2 is on the minus strand). VCF-style: chr4-76195788-T-C. GRCh37 (hg19) VCF-style: chr4-77116941-T-C.
Other names: p.Y65C:TAT>TGT; c.194A>G, p.Tyr65Cys (NM_001204255.2); short protein forms Y65C.
Identifiers: ClinVar variation 206708 (VCV000206708.17), dbSNP rs138955932, ClinGen allele CA317062.

ClinVar aggregate classification (germline): Uncertain significance. Review status: criteria provided, multiple submitters, no conflicts (2 of 4 stars). 5 submissions from 5 submitters: Uncertain significance (5). Last evaluated 2024-09-24.

Conditions:
Progressive myoclonic epilepsy. Also called: Myoclonus epilepsy; Familial progressive myoclonic epilepsy; Progressive myoclonus epilepsy; Myoclonic Epilepsies, Progressive. Identifiers: Orphanet 308, Orphanet 98261, MedGen C0751778, MONDO:0020074.
Action myoclonus-renal failure syndrome. Also called: MYOCLONUS-NEPHROPATHY SYNDROME; EPILEPSY, PROGRESSIVE MYOCLONIC, 4, WITH RENAL FAILURE; EPILEPSY, PROGRESSIVE MYOCLONIC, 4, WITHOUT RENAL FAILURE; SCARB2-Related Action Myoclonus-Renal Failure Syndrome. Identifiers: Orphanet 163696, MedGen C0751779, MeSH D020191, MONDO:0009699, OMIM 254900.

Allele frequency attached by ClinVar (database versions not stated): ESP Exome Variant Server 0.00008; gnomAD 0.00011 and 0.00016; TOPMed 0.00011; 1000 Genomes Project 30x 0.00047; 1000 Genomes Project 0.00060.
gnomAD v4.1: 323 of 1,613,782 alleles (0.02%); highest among the groups gnomAD compares: South Asian, 0.18%; no homozygotes.

Submissions (5):

GeneDx
Classification: Uncertain significance. Last evaluated: 2024-09-24. Review status: criteria provided, single submitter. Criteria: GeneDx Variant Classification Process June 2021. Collection method: clinical testing. Allele origin: germline. Affected: yes.
Comment: In silico analysis supports that this missense variant has a deleterious effect on protein structure/function; Has not been previously published as pathogenic or benign to our knowledge

Fulgent Genetics
Classification: Uncertain significance for Action myoclonus-renal failure syndrome. Last evaluated: 2024-02-05. Review status: criteria provided, single submitter. Criteria: ACMG Guidelines, 2015. Collection method: clinical testing. Allele origin: germline.

Labcorp Genetics (formerly Invitae), Labcorp
Classification: Uncertain significance for Progressive myoclonic epilepsy. Last evaluated: 2024-01-22. Review status: criteria provided, single submitter. Criteria: Invitae Variant Classification Sherloc (09022015). Collection method: clinical testing. Allele origin: germline.
Comment: This sequence change replaces tyrosine, which is neutral and polar, with cysteine, which is neutral and slightly polar, at codon 65 of the SCARB2 protein (p.Tyr65Cys). This variant is present in population databases (rs138955932, gnomAD 0.2%). This variant has not been reported in the literature in individuals affected with SCARB2-related conditions. ClinVar contains an entry for this variant (Variation ID: 206708). Advanced modeling of protein sequence and biophysical properties (such as structural, functional, and spatial information, amino acid conservation, physicochemical variation, residue mobility, and thermodynamic stability) performed at Invitae indicates that this missense variant is expected to disrupt SCARB2 protein function with a positive predictive value of 80%. In summary, the available evidence is currently insufficient to determine the role of this variant in disease. Therefore, it has been classified as a Variant of Uncertain Significance.

Revvity Omics, Revvity
Classification: Uncertain significance for Action myoclonus-renal failure syndrome. Last evaluated: 2021-09-07. Review status: criteria provided, single submitter. Criteria: ACMG Guidelines, 2015. Collection method: clinical testing. Allele origin: germline.

Neuberg Centre For Genomic Medicine, NCGM
Classification: Uncertain significance for Action myoclonus-renal failure syndrome. Review status: criteria provided, single submitter. Criteria: ACMG Guidelines, 2015. Collection method: clinical testing. Allele origin: germline. Inheritance: Autosomal recessive inheritance. Affected: yes.
Comment: The missense c.194A>G p.Tyr65Cys variant in SCARB2 gene has not been reported previously as a pathogenic variant nor as a benign variant, to our knowledge. The p.Tyr65Cys variant is present with allele frequency of 0.03% in gnomAD Exomes. This variant has been submitted to the ClinVar database as Uncertain Significance multiple submissions. Multiple lines of computational evidence Polyphen - Probably Damaging, SIFT - Damaging and MutationTaster - Disease causing predict a damaging effect on protein structure and function for this variant. The reference amino acid at this position in SCARB2 is predicted as conserved by GERP++ and PhyloP across 100 vertebrates. The amino acid Tyr at position 65 is changed to a Cys changing protein sequence and it might alter its composition and physico-chemical properties. For these reasons, this variant has been classified as a Variant of Uncertain Significance VUS. In absence of another reportable variant in SCARB2 gene, the molecular diagnosis is not confirmed.